The following is an entry in ClinVar:

NM_052947.4(ALPK2):c.3319T>C (p.Ser1107Pro)

Gene: ALPK2 (alpha kinase 2; minus strand). Cytogenetic location: 18q21.31.
Variant type: single nucleotide variant.
Coding change: c.3319T>C on transcript NM_052947.4 (MANE Select); coding-DNA position 3319, T replaced by C.
Protein change: p.Ser1107Pro; replaces serine 1107 with proline.
Molecular consequence: missense variant.
Genome position (GRCh38, 1-based): chr18:58,536,868, A>G on the plus strand (T>C on the coding strand, the complement: ALPK2 is on the minus strand). VCF-style: chr18-58536868-A-G. GRCh37 (hg19) VCF-style: chr18-56204100-A-G.
Other names: short protein forms S1107P.
Identifiers: ClinVar variation 1730169 (VCV001730169.2), dbSNP rs2518876601, ClinGen allele CA402568638.

ClinVar aggregate classification (germline): Uncertain significance (1 of 4 stars; one submission).

Submission:

Ambry Genetics
Classification: Uncertain significance. Last evaluated: 2021-06-28. Review status: criteria provided, single submitter. Criteria: Ambry Variant Classification Scheme 2023. Collection method: clinical testing. Allele origin: germline.
Comment: The p.S1107P variant (also known as c.3319T>C), located in coding exon 4 of the ALPK2 gene, results from a T to C substitution at nucleotide position 3319. The serine at codon 1107 is replaced by proline, an amino acid with similar properties. This amino acid position is conserved. In addition, this alteration is predicted to be tolerated by in silico analysis. Since supporting evidence is limited at this time, the clinical significance of this alteration remains unclear.